The following is an entry in ClinVar:

NM_021096.4(CACNA1I):c.2108C>G (p.Pro703Arg)

Gene: CACNA1I (calcium voltage-gated channel subunit alpha1 I; plus strand). Cytogenetic location: 22q13.1.
Variant type: single nucleotide variant.
Coding change: c.2108C>G on transcript NM_021096.4 (MANE Select); coding-DNA position 2108, C replaced by G.
Protein change: p.Pro703Arg; replaces proline 703 with arginine.
Molecular consequence: missense variant.
Genome position (GRCh38, 1-based): chr22:39,658,267, C>G. VCF-style: chr22-39658267-C-G. GRCh37 (hg19) VCF-style: chr22-40054272-C-G.
Other names: c.2003C>G, p.Pro668Arg (NM_001003406.2); short protein forms P668R, P703R.
Identifiers: ClinVar variation 3347642 (VCV003347642.1).

ClinVar aggregate classification (germline): Uncertain significance (0 of 4 stars; one submission).

Conditions:
CACNA1I-related disorder. Also called: CACNA1I-related condition.

Submission:

PreventionGenetics, part of Exact Sciences
Classification: Uncertain significance for CACNA1I-related condition. Last evaluated: 2024-08-31. Review status: no assertion criteria provided. Collection method: clinical testing. Allele origin: germline.
Comment: The CACNA1I c.2108C>G variant is predicted to result in the amino acid substitution p.Pro703Arg. To our knowledge, this variant has not been reported in the literature or in a large population database, indicating this variant is rare. At this time, the clinical significance of this variant is uncertain due to the absence of conclusive functional and genetic evidence.